The following is an entry in ClinVar:

ClinVar aggregate classification (germline): Likely pathogenic. Review status: criteria provided, multiple submitters, no conflicts (2 of 4 stars). 2 submissions from 2 submitters: Likely pathogenic (2). Last evaluated 2025-12-15.

Conditions:
Hypertrophic cardiomyopathy 26. Also called: Cardiomyopathy, familial hypertrophic, 26. Identifiers: Orphanet 75249, MedGen C4310749, MONDO:0014883, OMIM 617047.
Distal myopathy with posterior leg and anterior hand involvement. Also called: WILLIAMS DISTAL MYOPATHY. Identifiers: Orphanet 63273, MedGen C3279722, MONDO:0013550, OMIM 614065.
Myofibrillar myopathy 5. Also called: FILAMINOPATHY, AUTOSOMAL DOMINANT; Filaminopathy (type). Identifiers: Orphanet 171445, MedGen C1836050, MONDO:0012289, OMIM 609524.

Submissions (2):

Labcorp Genetics (formerly Invitae), Labcorp
Classification: Likely pathogenic for Distal myopathy with posterior leg and anterior hand involvement; Myofibrillar myopathy 5; Hypertrophic cardiomyopathy 26. Last evaluated: 2025-12-15. Review status: criteria provided, single submitter. Criteria: Invitae Variant Classification Sherloc (09022015). Collection method: clinical testing. Allele origin: germline.
Comment: This sequence change affects a donor splice site in intron 40 of the FLNC gene. It is expected to disrupt RNA splicing. Variants that disrupt the donor or acceptor splice site typically lead to a loss of protein function (PMID: 16199547), and loss-of-function variants in FLNC are known to be pathogenic (PMID: 27908349). This variant is not present in population databases (gnomAD no frequency). Disruption of this splice site has been observed in individual(s) with clinical features of FLNC-related conditions (PMID: 30403391). ClinVar contains an entry for this variant (Variation ID: 3775282). Algorithms developed to predict the effect of sequence changes on RNA splicing suggest that this variant may disrupt the consensus splice site. In summary, the currently available evidence indicates that the variant is pathogenic, but additional data are needed to prove that conclusively. Therefore, this variant has been classified as Likely Pathogenic.

3billion
Classification: Likely pathogenic for Hypertrophic cardiomyopathy 26. Last evaluated: 2023-08-28. Review status: criteria provided, single submitter. Criteria: ACMG Guidelines, 2015. Collection method: clinical testing. Allele origin: germline. Affected: yes.
Comment: The variant is not observed in the gnomAD v2.1.1 dataset. Predicted Consequence/Location: Canonical splice site: predicted to alter splicing and result in a loss or disruption of normal protein function. Multiple pathogenic loss-of-function variants are reported downstream of the variant. Therefore, this variant is classified as Likely pathogenic according to the recommendation of ACMG/AMP guideline.

Literature cited by the submitters: PubMed 16199547 (cited by Labcorp Genetics (formerly Invitae), Labcorp); PubMed 27908349 (cited by Labcorp Genetics (formerly Invitae), Labcorp); PubMed 30403391 (cited by Labcorp Genetics (formerly Invitae), Labcorp).

NM_001458.5(FLNC):c.6727+1G>A

Genes: FLNC-AS1 (FLNC antisense RNA 1; minus strand), FLNC (filamin C; plus strand). Cytogenetic location: 7q32.1.
Variant type: single nucleotide variant.
Coding change: c.6727+1G>A on transcript NM_001458.5 (MANE Select); the canonical splice donor site of the intron after coding-DNA position 6727, G replaced by A.
Molecular consequence: splice donor variant.
Genome position (GRCh38, 1-based): chr7:128,854,217, G>A. VCF-style: chr7-128854217-G-A. GRCh37 (hg19) VCF-style: chr7-128494271-G-A.
Other names: c.6628+1G>A (NM_001127487.2).
Identifiers: ClinVar variation 3775282 (VCV003775282.2).